The following is an entry in ClinVar:

NM_005869.4(CWC27):c.1075G>A (p.Glu359Lys)

Gene: CWC27 (CWC27 spliceosome associated cyclophilin; plus strand). Cytogenetic location: 5q12.3.
Variant type: single nucleotide variant.
Coding change: c.1075G>A on transcript NM_005869.4 (MANE Select); coding-DNA position 1075, G replaced by A.
Protein change: p.Glu359Lys; replaces glutamic acid 359 with lysine.
Molecular consequence: missense variant.
Genome position (GRCh38, 1-based): chr5:64,971,735, G>A. VCF-style: chr5-64971735-G-A. GRCh37 (hg19) VCF-style: chr5-64267562-G-A.
Other names: c.1075G>A, p.Glu359Lys (NM_001297644.1); short protein forms E359K.
Identifiers: ClinVar variation 851124 (VCV000851124.7), dbSNP rs140490454, ClinGen allele CA3282212.

ClinVar aggregate classification (germline): Uncertain significance. Review status: criteria provided, multiple submitters, no conflicts (2 of 4 stars). 3 submissions from 3 submitters: Uncertain significance (2). 1 of the submissions does not count toward it. Last evaluated 2024-09-09.

Conditions:
Retinal dystrophy. Also called: Inherited retinal dystrophy. Identifiers: Orphanet 71862, MedGen C0854723, MeSH D058499, MONDO:0019118, HP:0000556.

Allele frequency attached by ClinVar (database versions not stated): gnomAD 0.00014 and 0.00015; TOPMed 0.00018; gnomAD exomes 0.00020 and 0.00024; ExAC 0.00021; ESP Exome Variant Server 0.00031.
gnomAD v4.1: 378 of 1,610,000 alleles (0.023%); highest among the groups gnomAD compares: South Asian, 0.09%; 1 homozygote.

Submissions (3):

Blueprint Genetics
Classification: Uncertain significance. Last evaluated: 2024-09-09. Review status: criteria provided, single submitter. Criteria: ACMG Guidelines, 2015. Collection method: clinical testing. Allele origin: germline.

Labcorp Genetics (formerly Invitae), Labcorp
Classification: Uncertain significance. Last evaluated: 2023-10-13. Review status: criteria provided, single submitter. Criteria: Invitae Variant Classification Sherloc (09022015). Collection method: clinical testing. Allele origin: germline.
Comment: This sequence change replaces glutamic acid, which is acidic and polar, with lysine, which is basic and polar, at codon 359 of the CWC27 protein (p.Glu359Lys). This variant is present in population databases (rs140490454, gnomAD 0.08%). This variant has not been reported in the literature in individuals affected with CWC27-related conditions. ClinVar contains an entry for this variant (Variation ID: 851124). An algorithm developed to predict the effect of missense changes on protein structure and function (PolyPhen-2) suggests that this variant¬†is likely to be tolerated. In summary, the available evidence is currently insufficient to determine the role of this variant in disease. Therefore, it has been classified as a Variant of Uncertain Significance.

Institute of Human Genetics, Univ. Regensburg, Univ. Regensburg
Classification: Uncertain significance for Retinal dystrophy. Last evaluated: 2023-01-01. Review status: no assertion criteria provided. Criteria: ACMG Guidelines, 2015. Collection method: clinical testing. Allele origin: germline. Affected: yes. Not counted in ClinVar's aggregate classification.